The following is an entry in ClinVar:

ClinVar aggregate classification (germline): Likely benign (0 of 4 stars; one submission).

Conditions:
NOTCH3-related disorder. Also called: NOTCH3-related disorders; NOTCH3-related condition.

Allele frequency attached by ClinVar (database versions not stated): gnomAD 0.00001; gnomAD exomes 0.00002; ExAC 0.00003.
gnomAD v4.1: 10 of 1,611,852 alleles (0.00062%); highest among the groups gnomAD compares: Non-Finnish European, 0.00059%; no homozygotes.

Submission:

PreventionGenetics, part of Exact Sciences
Classification: Likely benign for NOTCH3-related condition. Last evaluated: 2022-10-27. Review status: no assertion criteria provided. Collection method: clinical testing. Allele origin: germline.
Comment: This variant is classified as likely benign based on ACMG/AMP sequence variant interpretation guidelines (Richards et al. 2015 PMID: 25741868, with internal and published modifications).

NM_000435.3(NOTCH3):c.6036C>A (p.Ala2012=)

Gene: NOTCH3 (notch receptor 3; minus strand). Cytogenetic location: 19p13.12.
Variant type: single nucleotide variant.
Coding change: c.6036C>A on transcript NM_000435.3 (MANE Select); coding-DNA position 6036, C replaced by A.
Protein change: p.Ala2012=; no amino-acid change (alanine 2012 retained).
Molecular consequence: synonymous variant.
Genome position (GRCh38, 1-based): chr19:15,161,592, G>T on the plus strand (C>A on the coding strand, the complement: NOTCH3 is on the minus strand). VCF-style: chr19-15161592-G-T. GRCh37 (hg19) VCF-style: chr19-15272403-G-T.
Identifiers: ClinVar variation 3053383 (VCV003053383.2), dbSNP rs774026358, ClinGen allele CA9262440.
Genomic context (GRCh38, chr19:15,161,592, plus strand): 5'-GCTGCGGGGCCCACTGGGTTGATCCAGCAAGCGCACGATGTCCTGGTGCAGTCTCTCCTG[G>T]GCTACGTCCCGCGGCAGCCTGTCCAGGTGGTCGGTGATCTCACGGTTGGCAAAGTGGTCC-3'
Protein context (NP_000426.2, residues 2002-2022): DHLDRLPRDV[Ala2012=]QERLHQDIVR